The following is an entry in ClinVar:

NM_201384.3(PLEC):c.8344A>G (p.Thr2782Ala)

Gene: PLEC (plectin; minus strand). Cytogenetic location: 8q24.3.
Variant type: single nucleotide variant.
Coding change: c.8344A>G on transcript NM_201384.3 (MANE Select); coding-DNA position 8344, A replaced by G.
Protein change: p.Thr2782Ala; replaces threonine 2782 with alanine.
Molecular consequence: missense variant.
Genome position (GRCh38, 1-based): chr8:143,921,477, T>C on the plus strand (A>G on the coding strand, the complement: PLEC is on the minus strand). VCF-style: chr8-143921477-T-C. GRCh37 (hg19) VCF-style: chr8-144995645-T-C.
Other names: c.8425A>G, p.Thr2809Ala (NM_000445.5); c.8302A>G, p.Thr2768Ala (NM_201378.4); c.8278A>G, p.Thr2760Ala (NM_201379.3); c.8755A>G, p.Thr2919Ala (NM_201380.4); c.8248A>G, p.Thr2750Ala (NM_201381.3); c.8344A>G, p.Thr2782Ala (NM_201382.4); c.8356A>G, p.Thr2786Ala (NM_201383.3); c.8425A>G (NM_000445.3); short protein forms T2782A, T2768A, T2919A, T2786A, T2809A, T2750A, T2760A.
Identifiers: ClinVar variation 471660 (VCV000471660.58), dbSNP rs782190805, ClinGen allele CA4925347.

ClinVar aggregate classification (germline): Uncertain significance. Review status: criteria provided, multiple submitters, no conflicts (2 of 4 stars). 5 submissions from 5 submitters: Uncertain significance (5). Last evaluated 2024-10-24.

Conditions:
Epidermolysis bullosa simplex, Ogna type (EBS5A). Also called: Pidermolysis bullosa simplex 5A, Ogna type; EPIDERMOLYSIS BULLOSA SIMPLEX 5A, OGNA TYPE. Identifiers: Orphanet 79401, MedGen C0432317, MONDO:0007555, OMIM 131950.
Autosomal recessive limb-girdle muscular dystrophy type 2Q (LGMDR17). Also called: MUSCULAR DYSTROPHY, LIMB-GIRDLE, AUTOSOMAL RECESSIVE 17. Identifiers: Orphanet 254361, MedGen C3150989, MONDO:0013390, OMIM 613723.
Epidermolysis bullosa simplex 5B, with muscular dystrophy (EBS5B). Also called: Epidermolysis bullosa simplex with muscular dystrophy; EPIDERMOLYSIS BULLOSA SIMPLEX AND LIMB-GIRDLE MUSCULAR DYSTROPHY. Identifiers: Orphanet 257, MedGen C2931072, MONDO:0009181, OMIM 226670.
Epidermolysis bullosa simplex with nail dystrophy (EBS5D). Identifiers: MedGen C4225309, MONDO:0014661, OMIM 616487.
Epidermolysis bullosa simplex 5C, with pyloric atresia (EBS5C). Also called: PLEC-Related Epidermolysis Bullosa with Pyloric Atresia; Epidermolysis bullosa simplex with pyloric atresia; PLEC1-Related Epidermolysis Bullosa with Pyloric Atresia. Identifiers: Orphanet 158684, MedGen C2677349, MONDO:0012807, OMIM 612138.
Inborn genetic diseases. Identifiers: MedGen C0950123, MeSH D030342.

Allele frequency attached by ClinVar (database versions not stated): gnomAD 0.00001; TOPMed 0.00002; ExAC 0.00004; gnomAD exomes 0.00006 and 0.00013.
gnomAD v4.1: 193 of 1,612,844 alleles (0.012%); highest among the groups gnomAD compares: Non-Finnish European, 0.016%; no homozygotes.

Submissions (5):

Labcorp Genetics (formerly Invitae), Labcorp
Classification: Uncertain significance for Autosomal recessive limb-girdle muscular dystrophy type 2Q; Epidermolysis bullosa simplex, Ogna type; Epidermolysis bullosa simplex with nail dystrophy; Epidermolysis bullosa simplex 5C, with pyloric atresia; Epidermolysis bullosa simplex 5B, with muscular dystrophy. Last evaluated: 2024-10-24. Review status: criteria provided, single submitter. Criteria: Invitae Variant Classification Sherloc (09022015). Collection method: clinical testing. Allele origin: germline.
Comment: This sequence change replaces threonine, which is neutral and polar, with alanine, which is neutral and non-polar, at codon 2809 of the PLEC protein (p.Thr2809Ala). This variant is present in population databases (rs782190805, gnomAD 0.009%). This variant has not been reported in the literature in individuals affected with PLEC-related conditions. ClinVar contains an entry for this variant (Variation ID: 471660). An algorithm developed to predict the effect of missense changes on protein structure and function (PolyPhen-2) suggests that this variant is likely to be tolerated. In summary, the available evidence is currently insufficient to determine the role of this variant in disease. Therefore, it has been classified as a Variant of Uncertain Significance.

GeneDx
Classification: Uncertain significance. Last evaluated: 2024-05-23. Review status: criteria provided, single submitter. Criteria: GeneDx Variant Classification Process June 2021. Collection method: clinical testing. Allele origin: germline. Affected: yes.
Comment: Not observed at significant frequency in large population cohorts (gnomAD); In silico analysis supports that this missense variant has a deleterious effect on protein structure/function; Missense variant in a gene in which most reported pathogenic variants are truncating/loss of function; Has not been previously published as pathogenic or benign to our knowledge

Revvity Omics, Revvity
Classification: Uncertain significance. Last evaluated: 2023-10-04. Review status: criteria provided, single submitter. Criteria: ACMG Guidelines, 2015. Collection method: clinical testing. Allele origin: germline.

Ambry Genetics
Classification: Uncertain significance for Inborn genetic diseases. Last evaluated: 2023-05-23. Review status: criteria provided, single submitter. Criteria: Ambry Variant Classification Scheme 2023. Collection method: clinical testing. Allele origin: germline.

CeGaT Center for Human Genetics Tuebingen
Classification: Uncertain significance. Last evaluated: 2019-09-01. Review status: criteria provided, single submitter. Criteria: CeGaT Center For Human Genetics Tuebingen Variant Classification Criteria Version 2. Collection method: clinical testing. Allele origin: germline. Affected: yes. Observed: 1 variant allele.